The following is an entry in ClinVar:

NM_000535.7(PMS2):c.2360T>A (p.Ile787Asn)

Gene: PMS2 (PMS1 homolog 2, mismatch repair system component; minus strand). Cytogenetic location: 7p22.1.
Variant type: single nucleotide variant.
Coding change: c.2360T>A on transcript NM_000535.7 (MANE Select); coding-DNA position 2360, T replaced by A.
Protein change: p.Ile787Asn; replaces isoleucine 787 with asparagine.
Molecular consequence: missense variant. On other transcripts: non-coding transcript variant (1).
Genome position (GRCh38, 1-based): chr7:5,977,673, A>T on the plus strand (T>A on the coding strand, the complement: PMS2 is on the minus strand). VCF-style: chr7-5977673-A-T. GRCh37 (hg19) VCF-style: chr7-6017304-A-T.
Other names: c.1955T>A, p.Ile652Asn (NM_001322003.2, NM_001322004.2, NM_001322005.2); c.2204T>A, p.Ile735Asn (NM_001322006.2); c.2042T>A, p.Ile681Asn (NM_001322007.2, NM_001322008.2); c.1988T>A, p.Ile663Asn (NM_001322009.2); c.1799T>A, p.Ile600Asn (NM_001322010.2); c.1427T>A, p.Ile476Asn (NM_001322011.2, NM_001322012.2); c.1787T>A, p.Ile596Asn (NM_001322013.2); c.2393T>A, p.Ile798Asn (NM_001322014.2); and 1 more; short protein forms I787N, I596N, I600N, I652N, I735N, I798N, I476N, I663N.
Identifiers: ClinVar variation 861780 (VCV000861780.11), dbSNP rs1781837155, ClinGen allele CA366735842.

ClinVar aggregate classification (germline): Uncertain significance. Review status: criteria provided, multiple submitters, no conflicts (2 of 4 stars). 3 submissions from 3 submitters: Uncertain significance (3). Last evaluated 2025-12-29.

Conditions:
Hereditary nonpolyposis colorectal neoplasms. Identifiers: MedGen C0009405, MeSH D003123.
Hereditary cancer-predisposing syndrome. Also called: Tumor predisposition; Hereditary neoplastic syndrome; Neoplastic Syndromes, Hereditary; Hereditary Cancer Syndrome. Identifiers: Orphanet 140162, MedGen C0027672, MeSH D009386, MONDO:0015356.

Submissions (3):

Center for Genomic Medicine, Rigshospitalet, Copenhagen University Hospital
Classification: Uncertain significance. Last evaluated: 2025-12-29. Review status: criteria provided, single submitter. Criteria: ACMG Guidelines, 2015. Collection method: clinical testing. Allele origin: germline.
Comment: Classification criteria: PP3_supporting, PM2_supporting

Ambry Genetics
Classification: Uncertain significance for Hereditary cancer-predisposing syndrome. Last evaluated: 2024-03-07. Review status: criteria provided, single submitter. Criteria: Ambry Variant Classification Scheme 2023. Collection method: clinical testing. Allele origin: germline.
Comment: The p.I787N variant (also known as c.2360T>A), located in coding exon 14 of the PMS2 gene, results from a T to A substitution at nucleotide position 2360. The isoleucine at codon 787 is replaced by asparagine, an amino acid with dissimilar properties. This amino acid position is conserved. In addition, the in silico prediction for this alteration is inconclusive. Based on the available evidence, the clinical significance of this alteration remains unclear.

Labcorp Genetics (formerly Invitae), Labcorp
Classification: Uncertain significance for Hereditary nonpolyposis colorectal neoplasms. Last evaluated: 2023-11-17. Review status: criteria provided, single submitter. Criteria: Invitae Variant Classification Sherloc (09022015). Collection method: clinical testing. Allele origin: germline.
Comment: This sequence change replaces isoleucine, which is neutral and non-polar, with asparagine, which is neutral and polar, at codon 787 of the PMS2 protein (p.Ile787Asn). The frequency data for this variant in the population databases (gnomAD) is considered unreliable due to the presence of homologous sequence, such as pseudogenes or paralogs, in the genome. This variant has not been reported in the literature in individuals affected with PMS2-related conditions. ClinVar contains an entry for this variant (Variation ID: 861780). Advanced modeling of protein sequence and biophysical properties (such as structural, functional, and spatial information, amino acid conservation, physicochemical variation, residue mobility, and thermodynamic stability) performed at Invitae indicates that this missense variant is expected to disrupt PMS2 protein function with a positive predictive value of 80%. In summary, the available evidence is currently insufficient to determine the role of this variant in disease. Therefore, it has been classified as a Variant of Uncertain Significance.